The following is an entry in ClinVar:

ClinVar aggregate classification (germline): Uncertain significance. Review status: criteria provided, multiple submitters, no conflicts (2 of 4 stars). 2 submissions from 2 submitters: Uncertain significance (2). Last evaluated 2024-06-13.

Conditions:
Sucrase-isomaltase deficiency (CSID). Also called: Congenital sucrose isomaltose malabsorption; Sucrose isomaltose enzyme deficiency; SI DEFICIENCY; Deficiency of isomaltase. Identifiers: Orphanet 35122, MedGen C1283620, MONDO:0009114, OMIM 222900.

Allele frequency attached by ClinVar (database versions not stated): gnomAD exomes below 0.00001 and 0.00001; ExAC 0.00002.
gnomAD v4.1: 3 of 1,608,746 alleles (0.00019%); highest among the groups gnomAD compares: Admixed American, 0.005%; no homozygotes.

Submissions (2):

Fulgent Genetics
Classification: Uncertain significance for Sucrase-isomaltase deficiency. Last evaluated: 2024-06-13. Review status: criteria provided, single submitter. Criteria: ACMG Guidelines, 2015. Collection method: clinical testing. Allele origin: germline.

Labcorp Genetics (formerly Invitae), Labcorp
Classification: Uncertain significance. Last evaluated: 2021-07-02. Review status: criteria provided, single submitter. Criteria: Invitae Variant Classification Sherloc (09022015). Collection method: clinical testing. Allele origin: germline.
Comment: This sequence change replaces histidine with leucine at codon 251 of the SI protein (p.His251Leu). The histidine residue is moderately conserved and there is a moderate physicochemical difference between histidine and leucine. This variant is present in population databases (rs768888806, ExAC 0.02%). In summary, the available evidence is currently insufficient to determine the role of this variant in disease. Therefore, it has been classified as a Variant of Uncertain Significance. Advanced modeling of protein sequence and biophysical properties (such as structural, functional, and spatial information, amino acid conservation, physicochemical variation, residue mobility, and thermodynamic stability) performed at Invitae indicates that this missense variant is expected to disrupt SI protein function. This variant has not been reported in the literature in individuals affected with SI-related conditions.

NM_001041.4(SI):c.752A>T (p.His251Leu)

Gene: SI (sucrase-isomaltase; minus strand). Cytogenetic location: 3q26.1.
Variant type: single nucleotide variant.
Coding change: c.752A>T on transcript NM_001041.4 (MANE Select); coding-DNA position 752, A replaced by T.
Protein change: p.His251Leu; replaces histidine 251 with leucine.
Molecular consequence: missense variant.
Genome position (GRCh38, 1-based): chr3:165,065,316, T>A on the plus strand (A>T on the coding strand, the complement: SI is on the minus strand). VCF-style: chr3-165065316-T-A. GRCh37 (hg19) VCF-style: chr3-164783104-T-A.
Other names: short protein forms H251L.
Identifiers: ClinVar variation 1514174 (VCV001514174.7), dbSNP rs768888806, ClinGen allele CA2691336.
Genomic context (GRCh38, chr3:165,065,316, plus strand): 5'-CTTACATCACCAGGAAGTTGGTCTCGAGTAAAAATTGGCCATGTTTTCCAGGATAAATCA[T>A]GACGAAATCTCTTATGAACTTGTTCTCCAATACCATAAATATAATCACTTGGAAGACGGG-3'
Protein context (NP_001032.2, residues 241-261): IGEQVHKRFR[His251Leu]DLSWKTWPIF